The following is an entry in ClinVar:

ClinVar aggregate classification (germline): Likely benign. Review status: criteria provided, single submitter (1 of 4 stars). 2 submissions from 2 submitters: Likely benign (1). 1 of the submissions does not count toward it. Last evaluated 2025-03-25.

Conditions:
Epilepsy, X-linked 1, with variable learning disabilities and behavior disorders. Also called: X-linked epilepsy-learning disabilities-behavior disorders syndrome. Identifiers: Orphanet 85294, MedGen C5774177, MONDO:0010339, OMIM 300491.
SYN1-related disorder. Also called: SYN1-related condition; SYN1-Related Disorders.

Allele frequency attached by ClinVar (database versions not stated): gnomAD exomes 0.00001; ExAC 0.00013.
gnomAD v4.1: 10 of 1,203,808 alleles (0.00083%); highest among the groups gnomAD compares: South Asian, 0.013%; no homozygotes.

Submissions (2):

Labcorp Genetics (formerly Invitae), Labcorp
Classification: Likely benign for Epilepsy, X-linked 1, with variable learning disabilities and behavior disorders. Last evaluated: 2025-03-25. Review status: criteria provided, single submitter. Criteria: Invitae Variant Classification Sherloc (09022015). Collection method: clinical testing. Allele origin: germline.

PreventionGenetics, part of Exact Sciences
Classification: Likely benign for SYN1-related condition. Last evaluated: 2019-03-27. Review status: no assertion criteria provided. Collection method: clinical testing. Allele origin: germline. Not counted in ClinVar's aggregate classification.
Comment: This variant is classified as likely benign based on ACMG/AMP sequence variant interpretation guidelines (Richards et al. 2015 PMID: 25741868, with internal and published modifications).

NM_006950.3(SYN1):c.1134G>A (p.Lys378=)

Gene: SYN1 (synapsin I; minus strand). Cytogenetic location: Xp11.3.
Variant type: single nucleotide variant.
Coding change: c.1134G>A on transcript NM_006950.3 (MANE Select); coding-DNA position 1134, G replaced by A.
Protein change: p.Lys378=; no amino-acid change (lysine 378 retained).
Molecular consequence: synonymous variant.
Genome position (GRCh38, 1-based): chrX:47,576,155, C>T on the plus strand (G>A on the coding strand, the complement: SYN1 is on the minus strand). VCF-style: chrX-47576155-C-T. GRCh37 (hg19) VCF-style: chrX-47435554-C-T.
Other names: c.1134G>A, p.Lys378= (NM_133499.2).
Identifiers: ClinVar variation 2978934 (VCV002978934.5), dbSNP rs766021359, ClinGen allele CA10398408.